The following is an entry in ClinVar:

NM_000204.5(CFI):c.637G>C (p.Val213Leu)

Gene: CFI (complement factor I; minus strand). Cytogenetic location: 4q25.
Variant type: single nucleotide variant.
Coding change: c.637G>C on transcript NM_000204.5 (MANE Select); coding-DNA position 637, G replaced by C.
Protein change: p.Val213Leu; replaces valine 213 with leucine.
Molecular consequence: missense variant. On other transcripts: non-coding transcript variant (3).
Genome position (GRCh38, 1-based): chr4:109,761,538, C>G on the plus strand (G>C on the coding strand, the complement: CFI is on the minus strand). VCF-style: chr4-109761538-C-G. GRCh37 (hg19) VCF-style: chr4-110682694-C-G.
Other names: c.637G>C, p.Val213Leu (NM_001318057.2, NM_001331035.2, NM_001375278.1 and 5 more transcripts); c.28G>C, p.Val10Leu (NM_001375284.1); short protein forms V10L, V213L.
Identifiers: ClinVar variation 1905158 (VCV001905158.5), dbSNP rs755271051, ClinGen allele CA103696006.
Genomic context (GRCh38, chr4:109,761,538, plus strand): 5'-TTCAAGGAAGGGAAAATAACAGGCAAATACTCCACCAACCTGCTTTCTGTGTATAACAAA[C>G]CACATCAGCGAAATCCTGGTAACCCATAGTTCTTCTCTTAGTAAAAGTACATTCAGCCAA-3'
Protein context (NP_000195.3, residues 203-223): TMGYQDFADV[Val213Leu]CYTQKADSPM

ClinVar aggregate classification (germline): Uncertain significance (1 of 4 stars; one submission).

Submission:

Labcorp Genetics (formerly Invitae), Labcorp
Classification: Uncertain significance. Last evaluated: 2022-05-25. Review status: criteria provided, single submitter. Criteria: Invitae Variant Classification Sherloc (09022015). Collection method: clinical testing. Allele origin: germline.
Comment: This sequence change replaces valine, which is neutral and non-polar, with leucine, which is neutral and non-polar, at codon 213 of the CFI protein (p.Val213Leu). This variant is not present in population databases (gnomAD no frequency). This variant has not been reported in the literature in individuals affected with CFI-related conditions. Advanced modeling of protein sequence and biophysical properties (such as structural, functional, and spatial information, amino acid conservation, physicochemical variation, residue mobility, and thermodynamic stability) performed at Invitae indicates that this missense variant is not expected to disrupt CFI protein function. In summary, the available evidence is currently insufficient to determine the role of this variant in disease. Therefore, it has been classified as a Variant of Uncertain Significance.